The following is an entry in ClinVar:

NM_004655.4(AXIN2):c.2008C>G (p.Pro670Ala)

Gene: AXIN2 (axin 2; minus strand). Cytogenetic location: 17q24.1.
Variant type: single nucleotide variant.
Coding change: c.2008C>G on transcript NM_004655.4 (MANE Select); coding-DNA position 2008, C replaced by G.
Protein change: p.Pro670Ala; replaces proline 670 with alanine.
Molecular consequence: missense variant.
Genome position (GRCh38, 1-based): chr17:65,536,453, G>C on the plus strand (C>G on the coding strand, the complement: AXIN2 is on the minus strand). VCF-style: chr17-65536453-G-C. GRCh37 (hg19) VCF-style: chr17-63532571-G-C.
Other names: c.1813C>G, p.Pro605Ala (NM_001363813.1); short protein forms P605A, P670A.
Identifiers: ClinVar variation 2586368 (VCV002586368.2), dbSNP rs2144442209, ClinGen allele CA400676164.

ClinVar aggregate classification (germline): Uncertain significance (1 of 4 stars; one submission).

Conditions:
Hereditary cancer-predisposing syndrome. Also called: Hereditary neoplastic syndrome; Tumor predisposition; Hereditary Cancer Syndrome; Neoplastic Syndromes, Hereditary. Identifiers: Orphanet 140162, MedGen C0027672, MeSH D009386, MONDO:0015356.

Submission:

Ambry Genetics
Classification: Uncertain significance for Hereditary cancer-predisposing syndrome. Last evaluated: 2023-08-26. Review status: criteria provided, single submitter. Criteria: Ambry Variant Classification Scheme 2023. Collection method: clinical testing. Allele origin: germline.
Comment: The p.P670A variant (also known as c.2008C>G), located in coding exon 7 of the AXIN2 gene, results from a C to G substitution at nucleotide position 2008. The proline at codon 670 is replaced by alanine, an amino acid with highly similar properties. This amino acid position is conserved. In addition, this alteration is predicted to be tolerated by in silico analysis. Since supporting evidence is limited at this time, the clinical significance of this alteration remains unclear.